The following is an entry in ClinVar:

NM_001256545.2(MEGF10):c.1192G>T (p.Glu398Ter)

Gene: MEGF10 (multiple EGF like domains 10; plus strand). Cytogenetic location: 5q23.2.
Variant type: single nucleotide variant.
Coding change: c.1192G>T on transcript NM_001256545.2 (MANE Select); coding-DNA position 1192, G replaced by T.
Protein change: p.Glu398Ter; replaces glutamic acid 398 with a stop codon.
Molecular consequence: nonsense.
Genome position (GRCh38, 1-based): chr5:127,417,699, G>T. VCF-style: chr5-127417699-G-T. GRCh37 (hg19) VCF-style: chr5-126753391-G-T.
Other names: c.1192G>T, p.Glu398Ter (NM_032446.3, NM_001308119.2, NM_001308121.2); short protein forms E398*.
Identifiers: ClinVar variation 372648 (VCV000372648.11), dbSNP rs200174116, ClinGen allele CA16042506.

ClinVar aggregate classification (germline): Pathogenic/Likely pathogenic. Review status: criteria provided, multiple submitters, no conflicts (2 of 4 stars). 2 submissions from 2 submitters: Pathogenic (1); Likely pathogenic (1). Last evaluated 2022-06-14.

Conditions:
MEGF10-related myopathy (CMYO10A). Also called: Congenital myopathy 10A, severe variant. Identifiers: Orphanet 439212, MedGen C3280679, MONDO:0013731, OMIM 614399.

gnomAD v4.1: 2 of 1,614,124 alleles (0.00012%); highest among the groups gnomAD compares: Non-Finnish European, 0.00017%; no homozygotes.

Submissions (2):

Labcorp Genetics (formerly Invitae), Labcorp
Classification: Pathogenic for MEGF10-related myopathy. Last evaluated: 2022-06-14. Review status: criteria provided, single submitter. Criteria: Invitae Variant Classification Sherloc (09022015). Collection method: clinical testing. Allele origin: germline.
Comment: This variant has not been reported in the literature in individuals affected with MEGF10-related conditions. This sequence change creates a premature translational stop signal (p.Glu398*) in the MEGF10 gene. It is expected to result in an absent or disrupted protein product. Loss-of-function variants in MEGF10 are known to be pathogenic (PMID: 22101682, 22371254, 23453856, 23954233). This variant is not present in population databases (gnomAD no frequency). ClinVar contains an entry for this variant (Variation ID: 372648). For these reasons, this variant has been classified as Pathogenic.

GeneDx
Classification: Likely pathogenic. Last evaluated: 2016-08-09. Review status: criteria provided, single submitter. Criteria: GeneDx Variant Classification (06012015). Collection method: clinical testing. Allele origin: germline. Affected: yes.
Comment: The E398X likely pathogenic variant in the MEGF10 gene has not been reported previously as a pathogenic variant nor as a benign variant, to our knowledge. This variant is predicted to cause loss of normal protein function either through protein truncation or nonsense-mediated mRNA decay. The E398X variant was not observed in approximately 6500 individuals of European and African American ancestry in the NHLBI Exome Sequencing Project, indicating it is not a common benign variant in these populations. Therefore, we interpret the E398X variant as a likely pathogenic variant,

Literature cited by the submitters: PubMed 22101682 (cited by Labcorp Genetics (formerly Invitae), Labcorp); PubMed 22371254 (cited by Labcorp Genetics (formerly Invitae), Labcorp); PubMed 23453856 (cited by Labcorp Genetics (formerly Invitae), Labcorp); PubMed 23954233 (cited by Labcorp Genetics (formerly Invitae), Labcorp).